The following is an entry in ClinVar:

ClinVar aggregate classification (germline): Likely benign (0 of 4 stars; one submission).

Conditions:
RARS2-related disorder. Also called: RARS2-related condition.

Submission:

PreventionGenetics, part of Exact Sciences
Classification: Likely benign for RARS2-related condition. Last evaluated: 2020-04-29. Review status: no assertion criteria provided. Collection method: clinical testing. Allele origin: germline.
Comment: This variant is classified as likely benign based on ACMG/AMP sequence variant interpretation guidelines (Richards et al. 2015 PMID: 25741868, with internal and published modifications).

NM_020320.5(RARS2):c.*100_*101dup

Gene: RARS2 (arginyl-tRNA synthetase 2, mitochondrial; minus strand). Cytogenetic location: 6q15.
Variant type: Duplication.
Coding change: c.*100_*101dup on transcript NM_020320.5 (MANE Select); 100 bases downstream of the stop codon through 101 bases downstream of the stop codon, 2 bases duplicated (TT; older notation c.*100_*101dupTT).
Molecular consequence: 3 prime UTR variant. On other transcripts: non-coding transcript variant (17), intron variant (2).
Genome position (GRCh38, 1-based): chr6:87,514,312-87,514,313, AA duplicated on the plus strand (TT on the coding strand, the reverse complement: RARS2 is on the minus strand); duplicating any 2 consecutive bases within chr6:87,514,312-87,514,329 gives the same sequence; the c. name uses the placement nearest the transcript's 3' end. VCF-style (leftmost placement, unchanged base first): chr6-87514311-C-CAA. GRCh37 (hg19) VCF-style: chr6-88224029-C-CAA.
Other names: c.*100_*101dup (NM_001318785.2, NM_001350507.2, NM_001350508.2 and 3 more transcripts); c.1723-5_1723-4dup (NM_001350505.2); c.1198-5_1198-4dup (NM_001350506.2).
Identifiers: ClinVar variation 3043976 (VCV003043976.2), dbSNP rs5878032, ClinGen allele CA568697423.